The following is an entry in ClinVar:

ClinVar aggregate classification (germline): Uncertain significance (1 of 4 stars; one submission).

gnomAD v4.1: 1 of 1,529,562 alleles (0.000065%); highest among the groups gnomAD compares: Non-Finnish European, 0.000088%; no homozygotes.

Submission:

Women's Health and Genetics/Laboratory Corporation of America, LabCorp
Classification: Uncertain significance. Last evaluated: 2023-07-28. Review status: criteria provided, single submitter. Criteria: LabCorp Variant Classification Summary - May 2015. Collection method: clinical testing. Allele origin: germline.
Comment: Variant summary: ARSB c.160G>C (p.Asp54His) results in a non-conservative amino acid change located in the sulfatase N terminal domain (IPR000917) of the encoded protein sequence. Five of five in-silico tools predict a damaging effect of the variant on protein function. The variant was absent in 175716 control chromosomes (gnomAD). The available data on variant occurrences in the general population are insufficient to allow any conclusion about variant significance. To our knowledge, no occurrence of c.160G>C in individuals affected with Mucopolysaccharidosis Type VI (Maroteaux-Lamy Syndrome) and no experimental evidence demonstrating its impact on protein function have been reported. Other variants affecting the same codon have been classified pathogenic or likely pathogenic in ClinVar (CV IDs 1471409, 559730). No submitters have cited clinical-significance assessments for this variant to ClinVar after 2014. Based on the evidence outlined above, the variant was classified as uncertain significance.

NM_000046.5(ARSB):c.160G>C (p.Asp54His)

Genes: ARSB (arylsulfatase B; minus strand), LOC129994126 (ATAC-STARR-seq lymphoblastoid silent region 16127; plus strand). Cytogenetic location: 5q14.1.
Variant type: single nucleotide variant.
Coding change: c.160G>C on transcript NM_000046.5 (MANE Select); coding-DNA position 160, G replaced by C.
Protein change: p.Asp54His; replaces aspartic acid 54 with histidine.
Molecular consequence: missense variant.
Genome position (GRCh38, 1-based): chr5:78,985,089, C>G on the plus strand (G>C on the coding strand, the complement: ARSB is on the minus strand). VCF-style: chr5-78985089-C-G. GRCh37 (hg19) VCF-style: chr5-78280912-C-G.
Other names: c.160G>C, p.Asp54His (NM_198709.3); short protein forms D54H.
Identifiers: ClinVar variation 2577244 (VCV002577244.1), dbSNP rs1554032216, ClinGen allele CA360196924.